The following is an entry in ClinVar:

NM_020198.3(CCDC47):c.1078T>C (p.Leu360=)

Gene: CCDC47 (coiled-coil domain containing 47; minus strand). Cytogenetic location: 17q23.3.
Variant type: single nucleotide variant.
Coding change: c.1078T>C on transcript NM_020198.3 (MANE Select); coding-DNA position 1078, T replaced by C.
Protein change: p.Leu360=; no amino-acid change (leucine 360 retained).
Molecular consequence: synonymous variant.
Genome position (GRCh38, 1-based): chr17:63,752,756, A>G on the plus strand (T>C on the coding strand, the complement: CCDC47 is on the minus strand). VCF-style: chr17-63752756-A-G. GRCh37 (hg19) VCF-style: chr17-61830116-A-G.
Identifiers: ClinVar variation 3352801 (VCV003352801.1).

ClinVar aggregate classification (germline): Likely benign (0 of 4 stars; one submission).

Conditions:
CCDC47-related disorder. Also called: CCDC47-related condition.

gnomAD v4.1: 1 of 1,612,626 alleles (0.000062%); no homozygotes.

Submission:

PreventionGenetics, part of Exact Sciences
Classification: Likely benign for CCDC47-related condition. Last evaluated: 2019-02-22. Review status: no assertion criteria provided. Collection method: clinical testing. Allele origin: germline.
Comment: This variant is classified as likely benign based on ACMG/AMP sequence variant interpretation guidelines (Richards et al. 2015 PMID: 25741868, with internal and published modifications).